The following is an entry in ClinVar:

ClinVar aggregate classification (germline): Pathogenic/Likely pathogenic. Review status: criteria provided, multiple submitters, no conflicts (2 of 4 stars). 3 submissions from 3 submitters: Pathogenic (2); Likely pathogenic (1). Last evaluated 2022-01-14.

Conditions:
Duchenne muscular dystrophy (DMD). Also called: Duchenne Muscular Dystrophy (DMD); MUSCULAR DYSTROPHY, PSEUDOHYPERTROPHIC PROGRESSIVE, DUCHENNE TYPE. Identifiers: Orphanet 98896, MedGen C0013264, MONDO:0010679, OMIM 310200.

Submissions (3):

Labcorp Genetics (formerly Invitae), Labcorp
Classification: Pathogenic for Duchenne muscular dystrophy. Last evaluated: 2022-01-14. Review status: criteria provided, single submitter. Criteria: Invitae Variant Classification Sherloc (09022015). Collection method: clinical testing. Allele origin: germline.
Comment: This premature translational stop signal has been observed in individual(s) with DMD-related conditions (PMID: 30293248). For these reasons, this variant has been classified as Pathogenic. ClinVar contains an entry for this variant (Variation ID: 917479). This variant is not present in population databases (gnomAD no frequency). This sequence change creates a premature translational stop signal (p.Asn428Ilefs*9) in the DMD gene. It is expected to result in an absent or disrupted protein product. Loss-of-function variants in DMD are known to be pathogenic (PMID: 16770791, 25007885).

Neuromuscular Diagnostic Laboratory, American University of Beirut Medical Center
Classification: Pathogenic for Duchenne muscular dystrophy. Last evaluated: 2019-10-10. Review status: criteria provided, single submitter. Criteria: ACMG Guidelines, 2015. Collection method: research. Allele origin: inherited. Inheritance: X-linked recessive inheritance. Affected: yes. Observed: 1 hemizygote.

CENTOGENE GmbH and LLC - Guiding Precision Medicine
Classification: Likely pathogenic for Duchenne muscular dystrophy. Review status: criteria provided, single submitter. Criteria: ACMG Guidelines, 2015. Collection method: clinical testing. Allele origin: germline. Affected: yes.

Literature cited by the submitters: PubMed 30293248 (cited by Labcorp Genetics (formerly Invitae), Labcorp); PubMed 16770791 (cited by Labcorp Genetics (formerly Invitae), Labcorp); PubMed 25007885 (cited by Labcorp Genetics (formerly Invitae), Labcorp); PubMed 32860008 (cited by CENTOGENE GmbH and LLC - Guiding Precision Medicine).

NM_004006.3(DMD):c.1283del (p.Asn428fs)

Gene: DMD (dystrophin; minus strand). Cytogenetic location: Xp21.1.
Variant type: Deletion.
Coding change: c.1283del on transcript NM_004006.3 (MANE Select); coding-DNA position 1283, one base deleted (A; older notation c.1283delA).
Protein change: p.Asn428fs; shifts the reading frame from asparagine 428.
Molecular consequence: frameshift variant.
Genome position (GRCh38, 1-based): chrX:32,644,180, T deleted on the plus strand (A on the coding strand, the reverse complement: DMD is on the minus strand); the first of 3 consecutive T bases (chrX:32,644,180-32,644,182); deleting any one gives the same sequence. VCF-style (leftmost placement, unchanged base first): chrX-32644179-AT-A. GRCh37 (hg19) VCF-style: chrX-32662296-AT-A.
Other names: c.1259del, p.Asn420fs (NM_000109.4); c.1271del, p.Asn424fs (NM_004009.3); c.914del, p.Asn305fs (NM_004010.3); short protein forms N305fs, N420fs, N424fs, N428fs.
Identifiers: ClinVar variation 917479 (VCV000917479.11), dbSNP rs2059643357, ClinGen allele CA1139667384.